The following is an entry in ClinVar:

ClinVar aggregate classification (germline): Benign/Likely benign. Review status: criteria provided, multiple submitters, no conflicts (2 of 4 stars). 3 submissions from 3 submitters: Benign (1); Likely benign (2). Last evaluated 2026-01-25.

Conditions:
Glycogen storage disease, type V (GSD5). Also called: McArdle type glycogen storage disease; MCARDLE DISEASE; MUSCLE GLYCOGEN PHOSPHORYLASE DEFICIENCY; MYOPHOSPHORYLASE DEFICIENCY; PYGM DEFICIENCY. Identifiers: Orphanet 368, MedGen C0017924, MONDO:0009293, OMIM 232600.

Allele frequency attached by ClinVar (database versions not stated): gnomAD 0.00001; TOPMed 0.00008; gnomAD exomes 0.00013 and 0.00027; 1000 Genomes Project 30x 0.00016; 1000 Genomes Project 0.00020; ExAC 0.00037.
gnomAD v4.1: 78 of 1,603,058 alleles (0.0049%); highest among the groups gnomAD compares: Admixed American, 0.13%; no homozygotes.

Submissions (3):

Labcorp Genetics (formerly Invitae), Labcorp
Classification: Benign for Glycogen storage disease, type V. Last evaluated: 2026-01-25. Review status: criteria provided, single submitter. Criteria: Invitae Variant Classification Sherloc (09022015). Collection method: clinical testing. Allele origin: germline.

Mayo Clinic Laboratories, Mayo Clinic
Classification: Likely benign. Last evaluated: 2024-11-18. Review status: criteria provided, single submitter. Criteria: ACMG Guidelines, 2015. Collection method: clinical testing. Allele origin: germline. Observed: 1 variant allele.
Comment: BP4, BP7

GeneDx
Classification: Likely benign. Last evaluated: 2017-08-10. Review status: criteria provided, single submitter. Criteria: GeneDx Variant Classification (06012015). Collection method: clinical testing. Allele origin: germline. Affected: yes.
Comment: This variant is considered likely benign or benign based on one or more of the following criteria: it is a conservative change, it occurs at a poorly conserved position in the protein, it is predicted to be benign by multiple in silico algorithms, and/or has population frequency not consistent with disease.

NM_005609.4(PYGM):c.1240-16G>A

Gene: PYGM (glycogen phosphorylase, muscle associated; minus strand). Cytogenetic location: 11q13.1.
Variant type: single nucleotide variant.
Coding change: c.1240-16G>A on transcript NM_005609.4 (MANE Select); 16 bases into the intron before coding-DNA position 1240, G replaced by A.
Molecular consequence: intron variant.
Genome position (GRCh38, 1-based): chr11:64,753,698, C>T on the plus strand (G>A on the coding strand, the complement: PYGM is on the minus strand). VCF-style: chr11-64753698-C-T. GRCh37 (hg19) VCF-style: chr11-64521170-C-T.
Other names: p.?; c.976-16G>A (NM_001164716.1).
Identifiers: ClinVar variation 511297 (VCV000511297.10), dbSNP rs573898801, ClinGen allele CA6079945.